The following is an entry in ClinVar:

NC_000002.12:g.121530882C>T

Genes: CLASP1 (cytoplasmic linker associated protein 1; minus strand), CLASP1-AS1 (CLASP1 antisense RNA 1; plus strand), RNU4ATAC (RNA, U4atac small nuclear; plus strand). Cytogenetic location: 2q14.2.
Variant type: single nucleotide variant.
Molecular consequence: intron variant (on NM_001395891.1).
Genome position: GRCh38 VCF-style: chr2-121530882-C-T. GRCh37 (hg19) VCF-style: chr2-122288458-C-T.
Other names: c.196-557G>A (NM_001142274.2, NM_015282.3, NM_001378003.1 and 5 more transcripts).
Identifiers: ClinVar variation 1483074 (VCV001483074.5), dbSNP rs772138273, ClinGen allele CA1854674.

ClinVar aggregate classification (germline): Uncertain significance. Review status: criteria provided, multiple submitters, no conflicts (2 of 4 stars). 2 submissions from 2 submitters: Uncertain significance (2). Last evaluated 2024-09-02.

Allele frequency attached by ClinVar (database versions not stated): ExAC 0.00037.
gnomAD v4.1: 159 of 692,244 alleles (0.023%); highest among the groups gnomAD compares: Non-Finnish European, 0.031%; no homozygotes.

Submissions (2):

Blueprint Genetics
Classification: Uncertain significance. Last evaluated: 2024-09-02. Review status: criteria provided, single submitter. Criteria: ACMG Guidelines, 2015. Collection method: clinical testing. Allele origin: germline.

Labcorp Genetics (formerly Invitae), Labcorp
Classification: Uncertain significance. Last evaluated: 2024-01-25. Review status: criteria provided, single submitter. Criteria: Invitae Variant Classification Sherloc (09022015). Collection method: clinical testing. Allele origin: germline.
Comment: This variant occurs in the RNU4ATAC gene, which encodes an RNA molecule that does not result in a protein product. This variant is present in population databases (rs772138273, gnomAD 0.04%). This variant has not been reported in the literature in individuals affected with RNU4ATAC-related conditions. ClinVar contains an entry for this variant (Variation ID: 1483074). Experimental studies and prediction algorithms are not available or were not evaluated, and the functional significance of this variant is currently unknown. In summary, the available evidence is currently insufficient to determine the role of this variant in disease. Therefore, it has been classified as a Variant of Uncertain Significance.